The following is an entry in ClinVar:

ClinVar aggregate classification (germline): Uncertain significance (1 of 4 stars; one submission).

Allele frequency attached by ClinVar (database versions not stated): gnomAD exomes below 0.00001.

Submission:

GeneDx
Classification: Uncertain significance. Last evaluated: 2021-02-23. Review status: criteria provided, single submitter. Criteria: GeneDx Variant Classification Process June 2021. Collection method: clinical testing. Allele origin: germline. Affected: yes.
Comment: Not observed in large population cohorts (Lek et al., 2016); In silico analysis supports that this missense variant does not alter protein structure/function; Has not been previously published as pathogenic or benign to our knowledge

NM_020937.4(FANCM):c.4718T>A (p.Met1573Lys)

Gene: FANCM (FA complementation group M; plus strand). Cytogenetic location: 14q21.2.
Variant type: single nucleotide variant.
Coding change: c.4718T>A on transcript NM_020937.4 (MANE Select); coding-DNA position 4718, T replaced by A.
Protein change: p.Met1573Lys; replaces methionine 1573 with lysine.
Molecular consequence: missense variant.
Genome position (GRCh38, 1-based): chr14:45,187,826, T>A. VCF-style: chr14-45187826-T-A. GRCh37 (hg19) VCF-style: chr14-45657029-T-A.
Other names: c.4640T>A, p.Met1547Lys (NM_001308133.2); short protein forms M1547K, M1573K.
Identifiers: ClinVar variation 1314163 (VCV001314163.2), dbSNP rs1594813453, ClinGen allele CA389609914.